The following is an entry in ClinVar:

ClinVar aggregate classification (germline): Pathogenic (1 of 4 stars; one submission).

Conditions:
Rhabdoid tumor predisposition syndrome 2 (RTPS2). Identifiers: Orphanet 231108, Orphanet 69077, MedGen C2750074, MONDO:0013224, OMIM 613325.

Submission:

Labcorp Genetics (formerly Invitae), Labcorp
Classification: Pathogenic for Rhabdoid tumor predisposition syndrome 2. Last evaluated: 2021-11-05. Review status: criteria provided, single submitter. Criteria: Invitae Variant Classification Sherloc (09022015). Collection method: clinical testing. Allele origin: germline.
Comment: This variant has not been reported in the literature in individuals affected with SMARCA4-related conditions. For these reasons, this variant has been classified as Pathogenic. This variant is a gross deletion of the genomic region encompassing exon(s) 6-9 of the SMARCA4 gene. This deletion is out-of-frame, and is expected to create a premature termination codon and result in an absent or disrupted protein product. Loss-of-function variants in SMARCA4 are known to be pathogenic (PMID: 24658001, 24658002).

Literature cited by the submitters: PubMed 24658001; PubMed 24658002.

NC_000019.9:g.(?_11098332)_(11105687_?)del

Gene: SMARCA4 (SWI/SNF related BAF chromatin remodeling complex subunit ATPase 4; plus strand). Cytogenetic location: 19p13.2.
Variant type: Deletion.
Identifiers: ClinVar variation 2423775 (VCV002423775.3).